The following is an entry in ClinVar:

NM_145239.3(PRRT2):c.323C>G (p.Thr108Arg)

Genes: MVP-DT (MVP divergent transcript; minus strand), PRRT2 (proline rich transmembrane protein 2; plus strand). Cytogenetic location: 16p11.2.
Variant type: single nucleotide variant.
Coding change: c.323C>G on transcript NM_145239.3 (MANE Select); coding-DNA position 323, C replaced by G.
Protein change: p.Thr108Arg; replaces threonine 108 with arginine.
Molecular consequence: missense variant.
Genome position (GRCh38, 1-based): chr16:29,813,377, C>G. VCF-style: chr16-29813377-C-G. GRCh37 (hg19) VCF-style: chr16-29824698-C-G.
Other names: c.323C>G, p.Thr108Arg (NM_001256442.2, NM_001256443.2); short protein forms T108R.
Identifiers: ClinVar variation 1993609 (VCV001993609.4), dbSNP rs1373243820, ClinGen allele CA395478194.
Genomic context (GRCh38, chr16:29,813,377, plus strand): 5'-GCTTAAGCCCAGGAGGGGAATCAAAGGCCAACTGCAGCCCCGAAGACCCATGCCAAGAAA[C>G]AGTGTCCAAACCAGAAGTGAGCAAAGAGGCCACTGCAGACCAGGGGTCCAGGCTGGAGTC-3'
Protein context (NP_660282.2, residues 98-118): NCSPEDPCQE[Thr108Arg]VSKPEVSKEA

ClinVar aggregate classification (germline): Uncertain significance (1 of 4 stars; one submission).

Conditions:
Episodic kinesigenic dyskinesia (EKD). Also called: Paroxysmal kinesigenic dyskinesia. Identifiers: Orphanet 98809, MedGen C1868682, MONDO:0044202.

Allele frequency attached by ClinVar (database versions not stated): gnomAD exomes below 0.00001; gnomAD 0.00001.
gnomAD v4.1: 4 of 1,614,074 alleles (0.00025%); highest among the groups gnomAD compares: South Asian, 0.0033%; no homozygotes.

Submission:

Labcorp Genetics (formerly Invitae), Labcorp
Classification: Uncertain significance for Episodic kinesigenic dyskinesia. Last evaluated: 2022-07-11. Review status: criteria provided, single submitter. Criteria: Invitae Variant Classification Sherloc (09022015). Collection method: clinical testing. Allele origin: germline.
Comment: This variant has not been reported in the literature in individuals affected with PRRT2-related conditions. This variant is present in population databases (no rsID available, gnomAD 0.003%). This sequence change replaces threonine, which is neutral and polar, with arginine, which is basic and polar, at codon 108 of the PRRT2 protein (p.Thr108Arg). Algorithms developed to predict the effect of missense changes on protein structure and function (SIFT, PolyPhen-2, Align-GVGD) all suggest that this variant is likely to be tolerated. In summary, the available evidence is currently insufficient to determine the role of this variant in disease. Therefore, it has been classified as a Variant of Uncertain Significance.